The following is an entry in ClinVar:

NM_005334.3(HCFC1):c.2787C>T (p.Ile929=)

Gene: HCFC1 (host cell factor C1; minus strand). Cytogenetic location: Xq28.
Variant type: single nucleotide variant.
Coding change: c.2787C>T on transcript NM_005334.3 (MANE Select); coding-DNA position 2787, C replaced by T.
Protein change: p.Ile929=; no amino-acid change (isoleucine 929 retained).
Molecular consequence: synonymous variant.
Genome position (GRCh38, 1-based): chrX:153,956,260, G>A on the plus strand (C>T on the coding strand, the complement: HCFC1 is on the minus strand). VCF-style: chrX-153956260-G-A. GRCh37 (hg19) VCF-style: chrX-153221711-G-A.
Identifiers: ClinVar variation 390258 (VCV000390258.16), dbSNP rs200003914, ClinGen allele CA10557282.

ClinVar aggregate classification (germline): Benign/Likely benign. Review status: criteria provided, multiple submitters, no conflicts (2 of 4 stars). 6 submissions from 6 submitters: Benign (1); Likely benign (2). 3 of the submissions do not count toward it. Last evaluated 2026-01-24.

Conditions:
HCFC1-related disorder. Also called: HCFC1-related condition.
Methylmalonic acidemia with homocystinuria, type cblX (MAHCX). Also called: INTELLECTUAL DEVELOPMENTAL DISORDER, X-LINKED 3. Identifiers: Orphanet 369962, MedGen C0796208, MONDO:0010657, OMIM 309541.

Allele frequency attached by ClinVar (database versions not stated): gnomAD exomes 0.00069 and 0.00145; ESP Exome Variant Server 0.00076; TOPMed 0.00079; gnomAD 0.00083 and 0.00085; ExAC 0.00103.

Submissions (6):

Labcorp Genetics (formerly Invitae), Labcorp
Classification: Benign for Methylmalonic acidemia with homocystinuria, type cblX. Last evaluated: 2026-01-24. Review status: criteria provided, single submitter. Criteria: Invitae Variant Classification Sherloc (09022015). Collection method: clinical testing. Allele origin: germline.

GeneDx
Classification: Likely benign. Last evaluated: 2017-08-24. Review status: criteria provided, single submitter. Criteria: GeneDx Variant Classification (06012015). Collection method: clinical testing. Allele origin: germline. Affected: yes.
Comment: This variant is considered likely benign or benign based on one or more of the following criteria: it is a conservative change, it occurs at a poorly conserved position in the protein, it is predicted to be benign by multiple in silico algorithms, and/or has population frequency not consistent with disease.

Breakthrough Genomics
Classification: Likely benign. Review status: criteria provided, single submitter. Criteria: ACMG Guidelines, 2015. Collection method: not provided. Allele origin: germline. Inheritance: X-linked inheritance. Affected: yes.

PreventionGenetics, part of Exact Sciences
Classification: Likely benign for HCFC1-related condition. Last evaluated: 2019-10-14. Review status: no assertion criteria provided. Collection method: clinical testing. Allele origin: germline. Not counted in ClinVar's aggregate classification.
Comment: This variant is classified as likely benign based on ACMG/AMP sequence variant interpretation guidelines (Richards et al. 2015 PMID: 25741868, with internal and published modifications).

Clinical Genetics DNA and cytogenetics Diagnostics Lab, Erasmus MC, Erasmus Medical Center
Classification: Likely benign. Review status: no assertion criteria provided. Collection method: clinical testing. Allele origin: germline. Affected: yes. Study: VKGL Data-share Consensus. Not counted in ClinVar's aggregate classification.

Genome Diagnostics Laboratory, University Medical Center Utrecht
Classification: Likely benign. Review status: no assertion criteria provided. Collection method: clinical testing. Allele origin: germline. Affected: yes. Study: VKGL Data-share Consensus. Not counted in ClinVar's aggregate classification.